The following is an entry in ClinVar:

NM_007194.4(CHEK2):c.444+9T>G

Gene: CHEK2 (checkpoint kinase 2; minus strand). Cytogenetic location: 22q12.1.
Variant type: single nucleotide variant.
Coding change: c.444+9T>G on transcript NM_007194.4 (MANE Select); 9 bases into the intron after coding-DNA position 444, T replaced by G.
Molecular consequence: intron variant.
Genome position (GRCh38, 1-based): chr22:28,725,234, A>C on the plus strand (T>G on the coding strand, the complement: CHEK2 is on the minus strand). VCF-style: chr22-28725234-A-C. GRCh37 (hg19) VCF-style: chr22-29121222-A-C.
Other names: c.-220+9T>G (NM_001437942.1); c.444+9T>G (NM_001349956.3, NM_145862.3); c.-334+9T>G (NM_001257387.3); c.537+9T>G (NM_001438295.1, NM_001438293.1); c.573+9T>G (NM_001438294.1, NM_001005735.3).
Identifiers: ClinVar variation 3144290 (VCV003144290.2), dbSNP rs1437978013, ClinGen allele CA2400252361.

ClinVar aggregate classification (germline): Uncertain significance. Review status: criteria provided, multiple submitters, no conflicts (2 of 4 stars). 2 submissions from 2 submitters: Uncertain significance (2). Last evaluated 2025-04-10.

Conditions:
Hereditary cancer-predisposing syndrome. Also called: Neoplastic Syndromes, Hereditary; Tumor predisposition; Hereditary neoplastic syndrome; Hereditary Cancer Syndrome. Identifiers: Orphanet 140162, MedGen C0027672, MeSH D009386, MONDO:0015356.
Familial cancer of breast. Also called: BREAST CANCER, FAMILIAL; Hereditary breast cancer; hereditary breast carcinoma. Identifiers: Orphanet 227535, MedGen C0346153, MONDO:0016419, OMIM 114480. Disease mechanism: loss of function.

Submissions (2):

Labcorp Genetics (formerly Invitae), Labcorp
Classification: Uncertain significance for Familial cancer of breast. Last evaluated: 2025-04-10. Review status: criteria provided, single submitter. Criteria: Invitae Variant Classification Sherloc (09022015). Collection method: clinical testing. Allele origin: germline.
Comment: This sequence change falls in intron 3 of the CHEK2 gene. It does not directly change the encoded amino acid sequence of the CHEK2 protein. This variant is not present in population databases (gnomAD no frequency). This variant has not been reported in the literature in individuals affected with CHEK2-related conditions. ClinVar contains an entry for this variant (Variation ID: 3144290). Algorithms developed to predict the effect of sequence changes on RNA splicing suggest that this variant may create or strengthen a splice site. In summary, the available evidence is currently insufficient to determine the role of this variant in disease. Therefore, it has been classified as a Variant of Uncertain Significance.

Ambry Genetics
Classification: Uncertain significance for Hereditary cancer-predisposing syndrome. Last evaluated: 2021-03-22. Review status: criteria provided, single submitter. Criteria: Ambry Variant Classification Scheme 2023. Collection method: clinical testing. Allele origin: germline.
Comment: The c.444+9T>G intronic alteration consists of a T to G substitution nucleotides after coding exon 2 in the CHEK2 gene. Based on insufficient or conflicting evidence, the clinical significance of this alteration remains unclear.